The following is an entry in ClinVar:

ClinVar aggregate classification (germline): Benign/Likely benign. Review status: criteria provided, multiple submitters, no conflicts (2 of 4 stars). 9 submissions from 9 submitters: Benign (1); Likely benign (8). Last evaluated 2026-06-01.

Conditions:
Cardiovascular phenotype. Identifiers: MedGen CN230736.
Ehlers-Danlos syndrome (EDS). Identifiers: Orphanet 98249, MedGen C0013720, MONDO:0020066.

Allele frequency attached by ClinVar (database versions not stated): 1000 Genomes Project 0.00140; ExAC 0.00155; 1000 Genomes Project 30x 0.00156; TOPMed 0.00212; gnomAD 0.00227 and 0.00228; gnomAD exomes 0.00318.
gnomAD v4.1: 4,808 of 1,550,390 alleles (0.31%); highest among the groups gnomAD compares: Non-Finnish European, 0.38%; 6 homozygotes.

Submissions (9):

CeGaT Center for Human Genetics Tuebingen
Classification: Likely benign. Last evaluated: 2026-06-01. Review status: criteria provided, single submitter. Criteria: CeGaT Center For Human Genetics Tuebingen Variant Classification Criteria Version 2. Collection method: clinical testing. Allele origin: germline. Affected: yes. Observed: 8 variant alleles.
Comment: ZNF469: BP4, BS2

Women's Health and Genetics/Laboratory Corporation of America, LabCorp
Classification: Likely benign. Last evaluated: 2026-04-16. Review status: criteria provided, single submitter. Criteria: LabCorp Variant Classification Summary - May 2015. Collection method: clinical testing. Allele origin: germline.
Comment: Variant summary: ZNF469 c.3773C>A (p.Ala1258Glu) results in a non-conservative amino acid change in the encoded protein sequence. Algorithms developed to predict the effect of missense changes on protein structure and function are either unavailable or do not agree on the potential impact of this missense change. The variant allele was found at a frequency of 0.0019 in 152100 control chromosomes, predominantly at a frequency of 0.0035 within the Non-Finnish European subpopulation in the gnomAD database. The observed variant frequency within Non-Finnish European control individuals in the gnomAD database exceeds the estimated maximal expected allele frequency for disease-causing variants in ZNF469. To our knowledge, no occurrence of c.3773C>A in individuals affected with ZNF469-related conditions and no experimental evidence demonstrating its impact on protein function have been reported. ClinVar contains an entry for this variant (Variation ID: 384819). Based on the evidence outlined above, the variant was classified as likely benign.

Labcorp Genetics (formerly Invitae), Labcorp
Classification: Likely benign. Last evaluated: 2026-02-04. Review status: criteria provided, single submitter. Criteria: Invitae Variant Classification Sherloc (09022015). Collection method: clinical testing. Allele origin: germline.

Mayo Clinic Laboratories, Mayo Clinic
Classification: Likely benign. Last evaluated: 2025-04-16. Review status: criteria provided, single submitter. Criteria: ACMG Guidelines, 2015. Collection method: clinical testing. Allele origin: germline. Observed: 26 variant alleles.
Comment: BS1, BP4_moderate

Blueprint Genetics
Classification: Likely benign. Last evaluated: 2024-11-18. Review status: criteria provided, single submitter. Criteria: ACMG Guidelines, 2015. Collection method: clinical testing. Allele origin: germline.

Genome Diagnostics Laboratory, The Hospital for Sick Children
Classification: Likely benign for Ehlers-Danlos syndrome. Last evaluated: 2022-01-18. Review status: criteria provided, single submitter. Criteria: ACMG Guidelines, 2015. Collection method: clinical testing. Allele origin: germline.

GeneDx
Classification: Likely benign. Last evaluated: 2021-02-18. Review status: criteria provided, single submitter. Criteria: GeneDx Variant Classification Process June 2021. Collection method: clinical testing. Allele origin: germline. Affected: yes.

Ambry Genetics
Classification: Benign for Cardiovascular phenotype. Last evaluated: 2019-01-15. Review status: criteria provided, single submitter. Criteria: Ambry Variant Classification Scheme 2023. Collection method: clinical testing. Allele origin: germline.

Breakthrough Genomics
Classification: Likely benign. Review status: criteria provided, single submitter. Criteria: ACMG Guidelines, 2015. Collection method: not provided. Allele origin: germline. Inheritance: Autosomal recessive inheritance. Affected: yes.

NM_001367624.2(ZNF469):c.3773C>A (p.Ala1258Glu)

Gene: ZNF469 (zinc finger protein 469; plus strand). Cytogenetic location: 16q24.2.
Variant type: single nucleotide variant.
Coding change: c.3773C>A on transcript NM_001367624.2 (MANE Select); coding-DNA position 3773, C replaced by A.
Protein change: p.Ala1258Glu; replaces alanine 1258 with glutamic acid.
Molecular consequence: missense variant.
Genome position (GRCh38, 1-based): chr16:88,431,243, C>A. VCF-style: chr16-88431243-C-A. GRCh37 (hg19) VCF-style: chr16-88497651-C-A.
Other names: NM_001127464.1:c.3689C>A; NM_001127464.2:c.3689C>A; p.Ala1258Glu; short protein forms A1258E.
Identifiers: ClinVar variation 384819 (VCV000384819.57), dbSNP rs141255631, ClinGen allele CA8224887.